The following is an entry in ClinVar:

NM_032242.4(PLXNA1):c.3276+5G>A

Gene: PLXNA1 (plexin A1; plus strand). Cytogenetic location: 3q21.3.
Variant type: single nucleotide variant.
Coding change: c.3276+5G>A on transcript NM_032242.4 (MANE Select); 5 bases into the intron after coding-DNA position 3276, G replaced by A.
Molecular consequence: intron variant.
Genome position (GRCh38, 1-based): chr3:127,017,042, G>A. VCF-style: chr3-127017042-G-A. GRCh37 (hg19) VCF-style: chr3-126735885-G-A.
Identifiers: ClinVar variation 3357400 (VCV003357400.1).
Genomic context (GRCh38, chr3:127,017,042, plus strand): 5'-CCACTGTCCGTGAACCCCGAATCCGGGCCAAGTATGGAGGCATTGAGAGGGAGAACGTGA[G>A]TCCCTGCCCTCAGCTGCCCACCTCGGTCCAGGCCTTCACCTGGGATGGGGCTCCTGCTAG-3'

ClinVar aggregate classification (germline): Uncertain significance (0 of 4 stars; one submission).

Conditions:
PLXNA1-related disorder. Also called: PLXNA1-related condition.

Submission:

PreventionGenetics, part of Exact Sciences
Classification: Uncertain significance for PLXNA1-related condition. Last evaluated: 2023-12-19. Review status: no assertion criteria provided. Collection method: clinical testing. Allele origin: germline.
Comment: The PLXNA1 c.3276+5G>A variant is predicted to interfere with splicing. To our knowledge, this variant has not been reported in the literature or in a large population database, indicating this variant is rare. At this time, the clinical significance of this variant is uncertain due to the absence of conclusive functional and genetic evidence.